The following is an entry in ClinVar:

NM_198428.3(BBS9):c.2623C>A (p.Pro875Thr)

Gene: BBS9 (Bardet-Biedl syndrome 9; plus strand). Cytogenetic location: 7p14.3.
Variant type: single nucleotide variant.
Coding change: c.2623C>A on transcript NM_198428.3 (MANE Select); coding-DNA position 2623, C replaced by A.
Protein change: p.Pro875Thr; replaces proline 875 with threonine.
Molecular consequence: missense variant. On other transcripts: non-coding transcript variant (3), intron variant (1).
Genome position (GRCh38, 1-based): chr7:33,604,966, C>A. VCF-style: chr7-33604966-C-A. GRCh37 (hg19) VCF-style: chr7-33644578-C-A.
Other names: c.2518C>A, p.Pro840Thr (NM_001033604.2); c.2608C>A, p.Pro870Thr (NM_001033605.2); c.2623C>A, p.Pro875Thr (NM_001348036.1, NM_001348041.4, NM_001348043.3); c.2074C>A, p.Pro692Thr (NM_001348037.3); c.2350C>A, p.Pro784Thr (NM_001348038.3); c.2245C>A, p.Pro749Thr (NM_001348039.3); c.2503C>A, p.Pro835Thr (NM_001348040.3, NM_014451.4); c.2488C>A, p.Pro830Thr (NM_001348042.3); and 4 more; short protein forms P749T, P875T, P692T, P718T, P753T, P830T, P835T, P870T.
Identifiers: ClinVar variation 1499161 (VCV001499161.6), dbSNP rs755911247, ClinGen allele CA367256581.

ClinVar aggregate classification (germline): Uncertain significance. Review status: criteria provided, multiple submitters, no conflicts (2 of 4 stars). 2 submissions from 2 submitters: Uncertain significance (2). Last evaluated 2025-10-24.

Conditions:
BBS9-related disorder. Also called: BBS9-related condition.
Bardet-Biedl syndrome (BBS). Identifiers: Orphanet 110, MedGen C0752166, MONDO:0015229.

gnomAD v4.1: 3 of 1,608,596 alleles (0.00019%); highest among the groups gnomAD compares: Admixed American, 0.0033%; no homozygotes.

Submissions (2):

Labcorp Genetics (formerly Invitae), Labcorp
Classification: Uncertain significance for Bardet-Biedl syndrome. Last evaluated: 2025-10-24. Review status: criteria provided, single submitter. Criteria: Invitae Variant Classification Sherloc (09022015). Collection method: clinical testing. Allele origin: germline.
Comment: This sequence change replaces proline, which is neutral and non-polar, with threonine, which is neutral and polar, at codon 875 of the BBS9 protein (p.Pro875Thr). This variant is present in population databases (no rsID available, gnomAD 0.006%). This variant has not been reported in the literature in individuals affected with BBS9-related conditions. ClinVar contains an entry for this variant (Variation ID: 1499161). An algorithm developed to predict the effect of missense changes on protein structure and function (PolyPhen-2) suggests that this variant is likely to be tolerated. In summary, the available evidence is currently insufficient to determine the role of this variant in disease. Therefore, it has been classified as a Variant of Uncertain Significance.

PreventionGenetics, part of Exact Sciences
Classification: Uncertain significance for BBS9-related condition. Last evaluated: 2025-01-30. Review status: criteria provided, single submitter. Criteria: ACMG Guidelines, 2015. Collection method: clinical testing. Allele origin: germline.
Comment: The BBS9 c.2623C>A variant is predicted to result in the amino acid substitution p.Pro875Thr. To our knowledge, this variant has not been reported in the literature. This variant is reported in 0.0058% of alleles in individuals of Latino descent in gnomAD. At this time, the clinical significance of this variant is uncertain due to the absence of conclusive functional and genetic evidence.